The following is an entry in ClinVar:

NM_021098.3(CACNA1H):c.4126C>G (p.Leu1376Val)

Gene: CACNA1H (calcium voltage-gated channel subunit alpha1 H; plus strand). Cytogenetic location: 16p13.3.
Variant type: single nucleotide variant.
Coding change: c.4126C>G on transcript NM_021098.3 (MANE Select); coding-DNA position 4126, C replaced by G.
Protein change: p.Leu1376Val; replaces leucine 1376 with valine.
Molecular consequence: missense variant.
Genome position (GRCh38, 1-based): chr16:1,210,874, C>G. VCF-style: chr16-1210874-C-G. GRCh37 (hg19) VCF-style: chr16-1260874-C-G.
Other names: c.4126C>G, p.Leu1376Val (NM_001005407.2); short protein forms L1376V.
Identifiers: ClinVar variation 2946971 (VCV002946971.3), dbSNP rs1204896297, ClinGen allele CA394177894.

ClinVar aggregate classification (germline): Uncertain significance (1 of 4 stars; one submission).

Conditions:
Hyperaldosteronism, familial, type IV (HALD4). Also called: FH IV; ALDOSTERONISM, PRIMARY, AND HYPERTENSION. Identifiers: Orphanet 642671, MedGen C4310756, MONDO:0014875, OMIM 617027.
Idiopathic generalized epilepsy. Also called: EIG; Generalised epilepsy. Identifiers: MedGen C0270850, MONDO:0005579, OMIM 600669.

gnomAD v4.1: 1 of 1,605,652 alleles (0.000062%); highest among the groups gnomAD compares: Non-Finnish European, 0.000085%; no homozygotes.

Submission:

Labcorp Genetics (formerly Invitae), Labcorp
Classification: Uncertain significance for Idiopathic generalized epilepsy; Hyperaldosteronism, familial, type IV. Last evaluated: 2023-04-21. Review status: criteria provided, single submitter. Criteria: Invitae Variant Classification Sherloc (09022015). Collection method: clinical testing. Allele origin: germline.
Comment: This sequence change replaces leucine, which is neutral and non-polar, with valine, which is neutral and non-polar, at codon 1376 of the CACNA1H protein (p.Leu1376Val). This variant is not present in population databases (gnomAD no frequency). In summary, the available evidence is currently insufficient to determine the role of this variant in disease. Therefore, it has been classified as a Variant of Uncertain Significance. Advanced modeling of protein sequence and biophysical properties (such as structural, functional, and spatial information, amino acid conservation, physicochemical variation, residue mobility, and thermodynamic stability) performed at Invitae indicates that this missense variant is not expected to disrupt CACNA1H protein function. This variant has not been reported in the literature in individuals affected with CACNA1H-related conditions.